The following is an entry in ClinVar:

NM_020759.3(STARD9):c.834C>T (p.Ser278=)

Gene: STARD9 (StAR related lipid transfer domain containing 9; plus strand). Cytogenetic location: 15q15.2.
Variant type: single nucleotide variant.
Coding change: c.834C>T on transcript NM_020759.3 (MANE Select); coding-DNA position 834, C replaced by T.
Protein change: p.Ser278=; no amino-acid change (serine 278 retained).
Molecular consequence: synonymous variant.
Genome position (GRCh38, 1-based): chr15:42,662,857, C>T. VCF-style: chr15-42662857-C-T. GRCh37 (hg19) VCF-style: chr15-42955055-C-T.
Other names: c.834C>T (NM_020759.2).
Identifiers: ClinVar variation 2645239 (VCV002645239.25), dbSNP rs183802733, ClinGen allele CA7514042.

ClinVar aggregate classification (germline): Likely benign. Review status: criteria provided, single submitter (1 of 4 stars). 2 submissions from 2 submitters: Likely benign (1). 1 of the submissions does not count toward it. Last evaluated 2022-03-01.

Conditions:
STARD9-related disorder. Also called: STARD9-related condition.

Allele frequency attached by ClinVar (database versions not stated): ExAC 0.00015; TOPMed 0.00023; gnomAD exomes 0.00027; gnomAD 0.00029; 1000 Genomes Project 30x 0.00031; 1000 Genomes Project 0.00040.
gnomAD v4.1: 424 of 1,537,184 alleles (0.028%); highest among the groups gnomAD compares: Middle Eastern, 0.5%; no homozygotes.

Submissions (2):

CeGaT Center for Human Genetics Tuebingen
Classification: Likely benign. Last evaluated: 2022-03-01. Review status: criteria provided, single submitter. Criteria: CeGaT Center For Human Genetics Tuebingen Variant Classification Criteria Version 2. Collection method: clinical testing. Allele origin: germline. Affected: yes. Observed: 1 variant allele.
Comment: STARD9: BP4, BP7

PreventionGenetics, part of Exact Sciences
Classification: Likely benign for STARD9-related condition. Last evaluated: 2019-03-15. Review status: no assertion criteria provided. Collection method: clinical testing. Allele origin: germline. Not counted in ClinVar's aggregate classification.
Comment: This variant is classified as likely benign based on ACMG/AMP sequence variant interpretation guidelines (Richards et al. 2015 PMID: 25741868, with internal and published modifications).